The following is an entry in ClinVar:

NM_001655.5(ARCN1):c.280T>G (p.Cys94Gly)

Gene: ARCN1 (archain 1 coat protein complex I subunit delta; plus strand). Cytogenetic location: 11q23.3.
Variant type: single nucleotide variant.
Coding change: c.280T>G on transcript NM_001655.5 (MANE Select); coding-DNA position 280, T replaced by G.
Protein change: p.Cys94Gly; replaces cysteine 94 with glycine.
Molecular consequence: missense variant. On other transcripts: non-coding transcript variant (2), intron variant (1).
Genome position (GRCh38, 1-based): chr11:118,583,191, T>G. VCF-style: chr11-118583191-T-G. GRCh37 (hg19) VCF-style: chr11-118453906-T-G.
Other names: c.16T>G, p.Cys6Gly (NM_001142281.2, NM_001425081.1); c.280T>G, p.Cys94Gly (NM_001425073.1, NM_001425077.1, NM_001425078.1); c.277T>G, p.Cys93Gly (NM_001425074.1, NM_001425079.1); c.223T>G, p.Cys75Gly (NM_001425075.1); c.211T>G, p.Cys71Gly (NM_001425076.1); c.4-618T>G (NM_001425080.1); short protein forms C6G, C71G, C75G, C93G, C94G.
Identifiers: ClinVar variation 4854606 (VCV004854606.1).
Genomic context (GRCh38, chr11:118,583,191, plus strand): 5'-CTGCTGATAAATTCTAAATCTTTCTTTTTTATTGGTGTCCACGCTTAGATCCCTGAATAT[T>G]GCCGAGCCTTAGAAGAGAATGAAATATCTGAGCACTGTTTTGATTTGATTTTTGCTTTTG-3'
Protein context (NP_001646.2, residues 84-104): RLFSRVIPEY[Cys94Gly]RALEENEISE

ClinVar aggregate classification (germline): Uncertain significance (1 of 4 stars; one submission).

Conditions:
Short stature, rhizomelic, with microcephaly, micrognathia, and developmental delay (SSMG). Also called: SHORT STATURE-MICROGNATHIA SYNDROME. Identifiers: Orphanet 659702, MedGen C4310686, MONDO:0014948, OMIM 617164.

Submission:

3billion
Classification: Uncertain significance for Short stature, rhizomelic, with microcephaly, micrognathia, and developmental delay. Last evaluated: 2026-01-15. Review status: criteria provided, single submitter. Criteria: ACMG Guidelines, 2015. Collection method: clinical testing. Allele origin: germline. Affected: yes.
Comment: The variant is not observed in the gnomAD v4.1.0 dataset. Predicted Consequence/Location: Missense variant. The majority of the known disease-causing variants of this gene are variants expected to result in premature termination of the protein. In silico tool predictions suggest damaging effect of the variant on gene or gene product [REVEL: 0.64 (>=0.6, sensitivity 0.68 and specificity 0.92)]. Therefore, this variant is classified as VUS according to the recommendation of ACMG/AMP guideline.